The following is an entry in ClinVar:

NM_001367534.1(CAMK2G):c.83T>C (p.Val28Ala)

Gene: CAMK2G (calcium/calmodulin dependent protein kinase II gamma; minus strand). Cytogenetic location: 10q22.2.
Variant type: single nucleotide variant.
Coding change: c.83T>C on transcript NM_001367534.1 (MANE Select); coding-DNA position 83, T replaced by C.
Protein change: p.Val28Ala; replaces valine 28 with alanine.
Molecular consequence: missense variant. On other transcripts: non-coding transcript variant (6), intron variant (3), 5 prime UTR variant (6).
Genome position (GRCh38, 1-based): chr10:73,873,066, A>G on the plus strand (T>C on the coding strand, the complement: CAMK2G is on the minus strand). VCF-style: chr10-73873066-A-G. GRCh37 (hg19) VCF-style: chr10-75632824-A-G.
Other names: c.66-7T>C (NM_001367532.1, NM_001367525.1, NM_001367514.1); c.83T>C, p.Val28Ala (NM_001204492.2, NM_001222.4, NM_001320898.2 and 28 more transcripts); c.-109T>C (NM_001367524.1, NM_001367537.1, NM_001367538.1 and 1 more transcripts); c.-489T>C (NM_001367540.1); c.-671T>C (NM_001367542.1); short protein forms V28A.
Identifiers: ClinVar variation 3236153 (VCV003236153.1), dbSNP rs2549071196, ClinGen allele CA377257963.

ClinVar aggregate classification (germline): Uncertain significance (1 of 4 stars; one submission).

Conditions:
Intellectual developmental disorder 59. Also called: INTELLECTUAL DEVELOPMENTAL DISORDER, AUTOSOMAL DOMINANT 59; MENTAL RETARDATION, AUTOSOMAL DOMINANT 59. Identifiers: MedGen C5193190, MONDO:0032795, OMIM 618522.

Submission:

MVZ Medizinische Genetik Mainz
Classification: Uncertain significance for Intellectual developmental disorder 59. Last evaluated: 2023-05-09. Review status: criteria provided, single submitter. Criteria: UK Practice Guidelines For Variant Classification V4 01 2020. Collection method: clinical testing. Allele origin: germline. Inheritance: Autosomal dominant inheritance. Affected: yes. Observed: 1 variant allele.
Comment: ACMG Criteria: PM2_SUP, PP2, PP3 (ACMG Version 4)